The following is an entry in ClinVar:

NM_000435.3(NOTCH3):c.4404-172del

Gene: NOTCH3 (notch receptor 3; minus strand). Cytogenetic location: 19p13.12.
Variant type: Deletion.
Coding change: c.4404-172del on transcript NM_000435.3 (MANE Select); 172 bases into the intron before coding-DNA position 4404, one base deleted (A; older notation c.4404-172delA).
Molecular consequence: intron variant.
Genome position (GRCh38, 1-based): chr19:15,174,572, T deleted on the plus strand (A on the coding strand, the reverse complement: NOTCH3 is on the minus strand); the first of 18 consecutive T bases (chr19:15,174,572-15,174,589); deleting any one gives the same sequence. VCF-style (leftmost placement, unchanged base first): chr19-15174571-AT-A. GRCh37 (hg19) VCF-style: chr19-15285382-AT-A.
Identifiers: ClinVar variation 1687679 (VCV001687679.2), dbSNP rs71168591, ClinGen allele CA631942743.
Genomic context (GRCh38, chr19:15,174,571, plus strand): 5'-GGGGACTGGAATATACGGACCCATGCCAGGCTTTCTGCAAATCTTGCCATTCACTGGATA[AT>A]TTTTTTTTTTTTTTTTTGAGACGGAGTCTTGCTCTGTCGCCCAGGCCGGAATGCAGTAGC-3'

ClinVar aggregate classification (germline): Likely benign (1 of 4 stars; one submission).

Submission:

GeneDx
Classification: Likely benign. Last evaluated: 2021-05-14. Review status: criteria provided, single submitter. Criteria: GeneDx Variant Classification Process June 2021. Collection method: clinical testing. Allele origin: germline. Affected: yes.
Comment: See Variant Classification Assertion Criteria.